The following is an entry in ClinVar:

ClinVar aggregate classification (germline): Uncertain significance (1 of 4 stars; one submission).

gnomAD v4.1: 16 of 1,614,024 alleles (0.00099%); highest among the groups gnomAD compares: Admixed American, 0.025%; no homozygotes.

Submission:

Labcorp Genetics (formerly Invitae), Labcorp
Classification: Uncertain significance. Last evaluated: 2022-04-14. Review status: criteria provided, single submitter. Criteria: Invitae Variant Classification Sherloc (09022015). Collection method: clinical testing. Allele origin: germline.
Comment: In summary, the available evidence is currently insufficient to determine the role of this variant in disease. Therefore, it has been classified as a Variant of Uncertain Significance. Algorithms developed to predict the effect of missense changes on protein structure and function output the following: SIFT: "Tolerated"; PolyPhen-2: "Benign"; Align-GVGD: "Class C0". The alanine amino acid residue is found in multiple mammalian species, which suggests that this missense change does not adversely affect protein function. This variant has not been reported in the literature in individuals affected with KCNK18-related conditions. This variant is present in population databases (rs770765805, gnomAD 0.03%). This sequence change replaces aspartic acid, which is acidic and polar, with alanine, which is neutral and non-polar, at codon 196 of the KCNK18 protein (p.Asp196Ala).

NM_181840.1(KCNK18):c.587A>C (p.Asp196Ala)

Gene: KCNK18 (potassium two pore domain channel subfamily K member 18; plus strand). Cytogenetic location: 10q25.3.
Variant type: single nucleotide variant.
Coding change: c.587A>C on transcript NM_181840.1 (MANE Select); coding-DNA position 587, A replaced by C.
Protein change: p.Asp196Ala; replaces aspartic acid 196 with alanine.
Molecular consequence: missense variant.
Genome position (GRCh38, 1-based): chr10:117,209,731, A>C. VCF-style: chr10-117209731-A-C. GRCh37 (hg19) VCF-style: chr10-118969242-A-C.
Other names: short protein forms D196A.
Identifiers: ClinVar variation 2076630 (VCV002076630.4), dbSNP rs770765805, ClinGen allele CA5710030.